The following is an entry in ClinVar:

NM_004655.4(AXIN2):c.2323A>G (p.Ile775Val)

Gene: AXIN2 (axin 2; minus strand). Cytogenetic location: 17q24.1.
Variant type: single nucleotide variant.
Coding change: c.2323A>G on transcript NM_004655.4 (MANE Select); coding-DNA position 2323, A replaced by G.
Protein change: p.Ile775Val; replaces isoleucine 775 with valine.
Molecular consequence: missense variant.
Genome position (GRCh38, 1-based): chr17:65,533,994, T>C on the plus strand (A>G on the coding strand, the complement: AXIN2 is on the minus strand). VCF-style: chr17-65533994-T-C. GRCh37 (hg19) VCF-style: chr17-63530112-T-C.
Other names: c.2128A>G, p.Ile710Val (NM_001363813.1); short protein forms I710V, I775V.
Identifiers: ClinVar variation 837281 (VCV000837281.10), dbSNP rs150734114, ClinGen allele CA400675500.

ClinVar aggregate classification (germline): Uncertain significance. Review status: criteria provided, multiple submitters, no conflicts (2 of 4 stars). 2 submissions from 2 submitters: Uncertain significance (2). Last evaluated 2023-06-11.

Conditions:
Oligodontia-cancer predisposition syndrome. Also called: TOOTH AGENESIS-COLORECTAL CANCER SYNDROME. Identifiers: Orphanet 300576, MedGen C1837750, MONDO:0012075, OMIM 608615. Disease mechanism: loss of function.
Hereditary cancer-predisposing syndrome. Also called: Neoplastic Syndromes, Hereditary; Tumor predisposition; Hereditary neoplastic syndrome; Hereditary Cancer Syndrome. Identifiers: Orphanet 140162, MedGen C0027672, MeSH D009386, MONDO:0015356.

gnomAD v4.1: 2 of 1,614,194 alleles (0.00012%); highest among the groups gnomAD compares: Middle Eastern, 0.016%; no homozygotes.

Submissions (2):

Labcorp Genetics (formerly Invitae), Labcorp
Classification: Uncertain significance for Oligodontia-cancer predisposition syndrome. Last evaluated: 2023-06-11. Review status: criteria provided, single submitter. Criteria: Invitae Variant Classification Sherloc (09022015). Collection method: clinical testing. Allele origin: germline.
Comment: This sequence change replaces isoleucine, which is neutral and non-polar, with valine, which is neutral and non-polar, at codon 775 of the AXIN2 protein (p.Ile775Val). This variant is not present in population databases (gnomAD no frequency). This variant has not been reported in the literature in individuals affected with AXIN2-related conditions. ClinVar contains an entry for this variant (Variation ID: 837281). Advanced modeling of protein sequence and biophysical properties (such as structural, functional, and spatial information, amino acid conservation, physicochemical variation, residue mobility, and thermodynamic stability) performed at Invitae indicates that this missense variant is not expected to disrupt AXIN2 protein function. In summary, the available evidence is currently insufficient to determine the role of this variant in disease. Therefore, it has been classified as a Variant of Uncertain Significance.

Ambry Genetics
Classification: Uncertain significance for Hereditary cancer-predisposing syndrome. Last evaluated: 2021-11-10. Review status: criteria provided, single submitter. Criteria: Ambry Variant Classification Scheme 2023. Collection method: clinical testing. Allele origin: germline.
Comment: The p.I775V variant (also known as c.2323A>G), located in coding exon 9 of the AXIN2 gene, results from an A to G substitution at nucleotide position 2323. The isoleucine at codon 775 is replaced by valine, an amino acid with highly similar properties. This amino acid position is conserved. In addition, this alteration is predicted to be tolerated by in silico analysis. Since supporting evidence is limited at this time, the clinical significance of this alteration remains unclear.